The following is an entry in ClinVar:

ClinVar aggregate classification (germline): Uncertain significance (1 of 4 stars; one submission).

Allele frequency attached by ClinVar (database versions not stated): ExAC 0.00001.

Submission:

Labcorp Genetics (formerly Invitae), Labcorp
Classification: Uncertain significance. Last evaluated: 2024-02-24. Review status: criteria provided, single submitter. Criteria: Invitae Variant Classification Sherloc (09022015). Collection method: clinical testing. Allele origin: germline.
Comment: This sequence change replaces threonine, which is neutral and polar, with isoleucine, which is neutral and non-polar, at codon 823 of the PCDH15 protein (p.Thr823Ile). This variant is present in population databases (rs766800442, gnomAD 0.006%). This variant has not been reported in the literature in individuals affected with PCDH15-related conditions. ClinVar contains an entry for this variant (Variation ID: 1905120). Advanced modeling of protein sequence and biophysical properties (such as structural, functional, and spatial information, amino acid conservation, physicochemical variation, residue mobility, and thermodynamic stability) performed at Invitae indicates that this missense variant is not expected to disrupt PCDH15 protein function with a negative predictive value of 80%. In summary, the available evidence is currently insufficient to determine the role of this variant in disease. Therefore, it has been classified as a Variant of Uncertain Significance.

NM_001384140.1(PCDH15):c.2468C>T (p.Thr823Ile)

Gene: PCDH15 (protocadherin related 15; minus strand). Cytogenetic location: 10q21.1.
Variant type: single nucleotide variant.
Coding change: c.2468C>T on transcript NM_001384140.1 (MANE Select); coding-DNA position 2468, C replaced by T.
Protein change: p.Thr823Ile; replaces threonine 823 with isoleucine.
Molecular consequence: missense variant.
Genome position (GRCh38, 1-based): chr10:54,022,950, G>A on the plus strand (C>T on the coding strand, the complement: PCDH15 is on the minus strand). VCF-style: chr10-54022950-G-A. GRCh37 (hg19) VCF-style: chr10-55782710-G-A.
Other names: c.2483C>T, p.Thr828Ile (NM_001142763.2, NM_001142771.2); c.2468C>T, p.Thr823Ile (NM_001142764.2, NM_001142766.2, NM_001142770.3 and 5 more transcripts); c.2255C>T, p.Thr752Ile (NM_001142765.2); c.2357C>T, p.Thr786Ile (NM_001142767.2); c.2402C>T, p.Thr801Ile (NM_001142768.2, NM_001142773.2, NM_001354404.2); c.2504C>T, p.Thr835Ile (NM_001142769.4); c.2489C>T, p.Thr830Ile (NM_001354411.2); short protein forms T752I, T830I, T801I, T835I, T786I, T823I, T828I.
Identifiers: ClinVar variation 1905120 (VCV001905120.4), dbSNP rs766800442, ClinGen allele CA5506023.